The following is an entry in ClinVar:

NM_004371.4(COPA):c.772C>T (p.His258Tyr)

Gene: COPA (coat protein complex I subunit alpha; minus strand). Cytogenetic location: 1q23.2.
Variant type: single nucleotide variant.
Coding change: c.772C>T on transcript NM_004371.4 (MANE Select); coding-DNA position 772, C replaced by T.
Protein change: p.His258Tyr; replaces histidine 258 with tyrosine.
Molecular consequence: missense variant.
Genome position (GRCh38, 1-based): chr1:160,314,060, G>A on the plus strand (C>T on the coding strand, the complement: COPA is on the minus strand). VCF-style: chr1-160314060-G-A. GRCh37 (hg19) VCF-style: chr1-160283850-G-A.
Other names: c.772C>T, p.His258Tyr (NM_001098398.2); short protein forms H258Y.
Identifiers: ClinVar variation 1011108 (VCV001011108.8), dbSNP rs1659060523, ClinGen allele CA343264146.

ClinVar aggregate classification (germline): Uncertain significance (1 of 4 stars; one submission).

Conditions:
Autoimmune interstitial lung disease-arthritis syndrome. Also called: Autoinflammation and autoimmunity, systemic, with immune dysregulation. Identifiers: Orphanet 444092, MedGen C5975714, MONDO:0014629.

Allele frequency attached by ClinVar (database versions not stated): gnomAD exomes below 0.00001.

Submission:

Labcorp Genetics (formerly Invitae), Labcorp
Classification: Uncertain significance for Autoimmune interstitial lung disease-arthritis syndrome. Last evaluated: 2020-06-10. Review status: criteria provided, single submitter. Criteria: Invitae Variant Classification Sherloc (09022015). Collection method: clinical testing. Allele origin: germline.
Comment: In summary, the available evidence is currently insufficient to determine the role of this variant in disease. Therefore, it has been classified as a Variant of Uncertain Significance. Algorithms developed to predict the effect of missense changes on protein structure and function are either unavailable or do not agree on the potential impact of this missense change (SIFT: "Deleterious"; PolyPhen-2: "Possibly Damaging"; Align-GVGD: "Class C0"). This variant has been observed in individual(s) with a primary immunodeficiency (PMID: 27577878). This variant is not present in population databases (ExAC no frequency). This sequence change replaces histidine with tyrosine at codon 258 of the COPA protein (p.His258Tyr). The histidine residue is highly conserved and there is a moderate physicochemical difference between histidine and tyrosine.

Literature cited by the submitters: PubMed 27577878.